The following is an entry in ClinVar:

ClinVar aggregate classification (germline): Uncertain significance (1 of 4 stars; one submission).

Conditions:
Dilated cardiomyopathy 1G (CMD1G). Identifiers: Orphanet 154, MedGen C1858763, MONDO:0011400, OMIM 604145.
Autosomal recessive limb-girdle muscular dystrophy type 2J (LGMDR10). Also called: Limb-girdle muscular dystrophy, type 2J; MUSCULAR DYSTROPHY, LIMB-GIRDLE, AUTOSOMAL RECESSIVE 10. Identifiers: Orphanet 140922, MedGen C1837342, MONDO:0012127, OMIM 608807.

Allele frequency attached by ClinVar (database versions not stated): TOPMed 0.00001.
gnomAD v4.1: 2 of 1,608,698 alleles (0.00012%); highest among the groups gnomAD compares: African/African-American, 0.0013%; no homozygotes.

Submission:

Labcorp Genetics (formerly Invitae), Labcorp
Classification: Uncertain significance for Dilated cardiomyopathy 1G; Autosomal recessive limb-girdle muscular dystrophy type 2J. Last evaluated: 2022-11-15. Review status: criteria provided, single submitter. Criteria: Invitae Variant Classification Sherloc (09022015). Collection method: clinical testing. Allele origin: germline.
Comment: This variant is located in the I band of TTN (PMID: 25589632). Variants in this region may be clinically relevant, but have not been definitively shown to cause cardiomyopathy or neuromuscular disease (PMID: 27493940, 32778822). In summary, the available evidence is currently insufficient to determine the role of this variant in disease. Therefore, it has been classified as a Variant of Uncertain Significance. Variants that disrupt the consensus splice site are a relatively common cause of aberrant splicing (PMID: 17576681, 9536098). Algorithms developed to predict the effect of sequence changes on RNA splicing suggest that this variant may disrupt the consensus splice site. Experimental studies and prediction algorithms are not available or were not evaluated, and the functional significance of this variant is currently unknown. This variant has not been reported in the literature in individuals affected with TTN-related conditions. This variant is present in population databases (no rsID available, gnomAD 0.007%). This sequence change falls in intron 123 of the TTN gene. It does not directly change the encoded amino acid sequence of the TTN protein. It affects a nucleotide within the consensus splice site.

Literature cited by the submitters: PubMed 25589632; PubMed 27493940; PubMed 32778822; PubMed 17576681; PubMed 9536098.

NM_001267550.2(TTN):c.31927+3A>C

Gene: TTN (titin; minus strand). Cytogenetic location: 2q31.2.
Variant type: single nucleotide variant.
Coding change: c.31927+3A>C on transcript NM_001267550.2 (MANE Select); 3 bases into the intron after coding-DNA position 31927, A replaced by C.
Molecular consequence: intron variant.
Genome position (GRCh38, 1-based): chr2:178,689,512, T>G on the plus strand (A>C on the coding strand, the complement: TTN is on the minus strand). VCF-style: chr2-178689512-T-G. GRCh37 (hg19) VCF-style: chr2-179554239-T-G.
Other names: c.13283-47195A>C (NM_003319.4); c.13859-47195A>C (NM_133437.4); c.13658-47195A>C (NM_133432.3); c.28195+3A>C (NM_133378.4); c.30976+3A>C (NM_001256850.1).
Identifiers: ClinVar variation 2924723 (VCV002924723.3), dbSNP rs1348550911, ClinGen allele CA538437258.
Genomic context (GRCh38, chr2:178,689,512, plus strand): 5'-GACATGCAATTAAAGAGGCTTGAAGGAAAGACAAGGTTATTTCATGGAGATGGGATTAAG[T>G]ACCTGCTGGTGGTGGAGATTCCTCTCTTTGAGTTACAATGGTTATTTTTTCTTCTGTCAC-3'